The following is an entry in ClinVar:

ClinVar aggregate classification (germline): Pathogenic. Review status: reviewed by expert panel (3 of 4 stars). 10 submissions from 10 submitters: Pathogenic (1). 9 of the submissions do not count toward it. Last evaluated 2016-09-08.

Conditions:
Hereditary cancer-predisposing syndrome. Also called: Neoplastic Syndromes, Hereditary; Hereditary neoplastic syndrome; Hereditary Cancer Syndrome; Tumor predisposition. Identifiers: Orphanet 140162, MedGen C0027672, MeSH D009386, MONDO:0015356.
Breast-ovarian cancer, familial, susceptibility to, 1 (BROVCA1). Also called: BRCA1 Hereditary Breast and Ovarian Cancer; OVARIAN CANCER, SUSCEPTIBILITY TO. Identifiers: Orphanet 145, MedGen C2676676, MONDO:0011450, OMIM 604370. Disease mechanism: loss of function.
Hereditary breast ovarian cancer syndrome. Also called: BRCA1- and BRCA2-Associated Hereditary Breast and Ovarian Cancer; Hereditary breast and ovarian cancer syndrome (HBOC); Hereditary breast and ovarian cancer syndrome; Hereditary breast and/or ovarian cancer syndrome; Breast and ovarian cancer; Hereditary breast and ovarian cancer. Identifiers: Orphanet 145, MedGen C0677776, MeSH D061325, MONDO:0003582. Disease mechanism: loss of function.

Submissions (10):

Evidence-based Network for the Interpretation of Germline Mutant Alleles (ENIGMA)
Classification: Pathogenic for Breast-ovarian cancer, familial, susceptibility to, 1. Last evaluated: 2016-09-08. Review status: reviewed by expert panel. Criteria: ENIGMA BRCA1/2 Classification Criteria (2015). Collection method: curation. Allele origin: germline.
Comment: Variant allele predicted to encode a truncated non-functional protein.

Ambry Genetics
Classification: Pathogenic for Hereditary cancer-predisposing syndrome. Last evaluated: 2026-07-29. Review status: criteria provided, single submitter. Criteria: Ambry Variant Classification Scheme 2023. Collection method: clinical testing. Allele origin: germline. Not counted in ClinVar's aggregate classification.
Comment: The p.G1560* pathogenic mutation (also known as c.4678G>T), located in coding exon 14 of the BRCA1 gene, results from a G to T substitution at nucleotide position 4678. This changes the amino acid from a glycine to a stop codon within coding exon 14. This variant is considered to be rare based on population cohorts in the Genome Aggregation Database (gnomAD). This variant is expected to result in loss of function by premature protein truncation or nonsense-mediated mRNA decay. As such, this variant is interpreted as a disease-causing mutation.

GeneDx
Classification: Pathogenic. Last evaluated: 2026-03-05. Review status: criteria provided, single submitter. Criteria: GeneDx Variant Classification Process June 2021. Collection method: clinical testing. Allele origin: germline. Not counted in ClinVar's aggregate classification.
Comment: Nonsense variant predicted to result in protein truncation or nonsense mediated decay in a gene for which loss of function is a known mechanism of disease; Truncating variants in this gene are considered pathogenic by a well-established clinical consortium and/or database; Not observed at significant frequency in large population cohorts (gnomAD); Identified in individual(s) with ovarian cancer in published literature (PMID: 22776961); Also known as 4797G>T; This variant is associated with the following publications: (PMID: 35837282, 29446198, 22776961)

Labcorp Genetics (formerly Invitae), Labcorp
Classification: Pathogenic for Hereditary breast ovarian cancer syndrome. Last evaluated: 2025-09-30. Review status: criteria provided, single submitter. Criteria: Invitae Variant Classification Sherloc (09022015). Collection method: clinical testing. Allele origin: germline. Not counted in ClinVar's aggregate classification.
Comment: This sequence change creates a premature translational stop signal (p.Gly1560*) in the BRCA1 gene. It is expected to result in an absent or disrupted protein product. Loss-of-function variants in BRCA1 are known to be pathogenic (PMID: 20104584). This variant is not present in population databases (gnomAD no frequency). This premature translational stop signal has been observed in individual(s) with clinical features of hereditary breast and ovarian cancer (HBOC) syndrome (PMID: 22776961, 29446198). This variant is also known as 4797G>T. ClinVar contains an entry for this variant (Variation ID: 55257). For these reasons, this variant has been classified as Pathogenic.

Color Diagnostics, LLC DBA Color Health
Classification: Pathogenic for Hereditary cancer-predisposing syndrome. Last evaluated: 2020-05-01. Review status: criteria provided, single submitter. Criteria: ACMG Guidelines, 2015. Collection method: clinical testing. Allele origin: germline. Not counted in ClinVar's aggregate classification.
Comment: This variant changes 1 nucleotide in exon 15 of the BRCA1 gene, creating a premature translation stop signal. This variant is expected to result in an absent or non-functional protein product. This variant has been reported in an individual affected with ovarian cancer (PMID: 22776961). This variant has not been identified in the general population by the Genome Aggregation Database (gnomAD). Loss of BRCA1 function is a known mechanism of disease. Based on the available evidence, this variant is classified as Pathogenic.

Quest Diagnostics Nichols Institute San Juan Capistrano
Classification: Pathogenic. Last evaluated: 2017-03-21. Review status: criteria provided, single submitter. Criteria: Quest Diagnostics criteria. Collection method: clinical testing. Allele origin: germline. Not counted in ClinVar's aggregate classification.

Consortium of Investigators of Modifiers of BRCA1/2 (CIMBA), c/o University of Cambridge
Classification: Pathogenic for Breast-ovarian cancer, familial, susceptibility to, 1. Last evaluated: 2015-10-02. Review status: criteria provided, single submitter. Criteria: CIMBA Mutation Classification guidelines May 2016. Collection method: clinical testing. Allele origin: germline. Not counted in ClinVar's aggregate classification.

Research Molecular Genetics Laboratory, Women's College Hospital, University of Toronto
Classification: Pathogenic for Hereditary breast ovarian cancer syndrome. Last evaluated: 2014-01-31. Review status: no assertion criteria provided. Collection method: research. Allele origin: germline. Affected: yes. Study: The Canadian Open Genetics Repository (COGR). Not counted in ClinVar's aggregate classification.

Sharing Clinical Reports Project (SCRP)
Classification: Pathogenic for Breast-ovarian cancer, familial 1. Last evaluated: 2011-11-08. Review status: no assertion criteria provided. Collection method: clinical testing. Allele origin: germline. Not counted in ClinVar's aggregate classification.

Breast Cancer Information Core (BIC) (BRCA1)
Classification: Pathogenic for Breast-ovarian cancer, familial 1. Last evaluated: 2002-05-29. Review status: no assertion criteria provided. Collection method: clinical testing. Allele origin: germline. Affected: yes. Observed: 1 variant allele. Not counted in ClinVar's aggregate classification.

Literature cited by the submitters: PubMed 20104584 (cited by Labcorp Genetics (formerly Invitae), Labcorp); PubMed 22776961 (cited by Labcorp Genetics (formerly Invitae), Labcorp and Quest Diagnostics Nichols Institute San Juan Capistrano); PubMed 29446198 (cited by Labcorp Genetics (formerly Invitae), Labcorp).

NM_007294.4(BRCA1):c.4678G>T (p.Gly1560Ter)

Gene: BRCA1 (BRCA1 DNA repair associated; minus strand). Cytogenetic location: 17q21.31.
Variant type: single nucleotide variant.
Coding change: c.4678G>T on transcript NM_007294.4 (MANE Select); coding-DNA position 4678, G replaced by T.
Protein change: p.Gly1560Ter; replaces glycine 1560 with a stop codon.
Molecular consequence: nonsense. On other transcripts: non-coding transcript variant (1).
Genome position (GRCh38, 1-based): chr17:43,071,236, C>A on the plus strand (G>T on the coding strand, the complement: BRCA1 is on the minus strand). VCF-style: chr17-43071236-C-A. GRCh37 (hg19) VCF-style: chr17-41223253-C-A.
Other names: 4797G>T; c.4465G>T, p.Gly1489Ter (NM_001407571.1, NM_001407895.1, NM_001407896.1 and 12 more transcripts); c.4744G>T, p.Gly1582Ter (NM_001407581.1, NM_001407582.1); c.4741G>T, p.Gly1581Ter (NM_001407583.1, NM_001407585.1, NM_001407587.1 and 1 more transcripts); c.4738G>T, p.Gly1580Ter (NM_001407590.1, NM_001407591.1); c.4678G>T, p.Gly1560Ter (NM_001407593.1, NM_001407594.1, NM_001407596.1 and 8 more transcripts); c.4675G>T, p.Gly1559Ter (NM_001407610.1, NM_001407611.1, NM_001407612.1 and 17 more transcripts); c.4672G>T, p.Gly1558Ter (NM_001407627.1, NM_001407628.1, NM_001407629.1 and 14 more transcripts); and 71 more; short protein forms G1560*, G1513*, G1581*, G456*, G1433*, G1447*, G1471*, G1472*.
Identifiers: ClinVar variation 55257 (VCV000055257.21), dbSNP rs80357349, ClinGen allele CA002973.
Genomic context (GRCh38, chr17:43,071,236, plus strand): 5'-AAGGATCAGATTCAGGGTCATCAGAGAAGAGGCTGATTCCAGATTCCAGGTAAGGGGTTC[C>A]CTCTGAAAGGAATGGGAGAAGTTTAATTTACACAACGATGAATGTTGAATTACAAAGTTC-3'